The following is an entry in ClinVar:

NM_004608.4(TBX6):c.5A>G (p.Tyr2Cys)

Gene: TBX6 (T-box transcription factor 6; minus strand). Cytogenetic location: 16p11.2.
Variant type: single nucleotide variant.
Coding change: c.5A>G on transcript NM_004608.4 (MANE Select); coding-DNA position 5, A replaced by G.
Protein change: p.Tyr2Cys; replaces tyrosine 2 with cysteine.
Molecular consequence: missense variant.
Genome position (GRCh38, 1-based): chr16:30,091,189, T>C on the plus strand (A>G on the coding strand, the complement: TBX6 is on the minus strand). VCF-style: chr16-30091189-T-C. GRCh37 (hg19) VCF-style: chr16-30102510-T-C.
Other names: short protein forms Y2C.
Identifiers: ClinVar variation 2869520 (VCV002869520.3), dbSNP rs1349965003, ClinGen allele CA395523131.

ClinVar aggregate classification (germline): Uncertain significance (1 of 4 stars; one submission).

Allele frequency attached by ClinVar (database versions not stated): gnomAD exomes below 0.00001; TOPMed below 0.00001; gnomAD 0.00001.
gnomAD v4.1: 5 of 1,574,054 alleles (0.00032%); highest among the groups gnomAD compares: Non-Finnish European, 0.00034%; no homozygotes.

Submission:

Labcorp Genetics (formerly Invitae), Labcorp
Classification: Uncertain significance. Last evaluated: 2023-04-24. Review status: criteria provided, single submitter. Criteria: Invitae Variant Classification Sherloc (09022015). Collection method: clinical testing. Allele origin: germline.
Comment: This variant has not been reported in the literature in individuals affected with TBX6-related conditions. An algorithm developed to predict the effect of missense changes on protein structure and function (PolyPhen-2) suggests that this variant is likely to be disruptive. In summary, the available evidence is currently insufficient to determine the role of this variant in disease. Therefore, it has been classified as a Variant of Uncertain Significance. The frequency data for this variant in the population databases is considered unreliable, as metrics indicate poor data quality at this position in the gnomAD database. This sequence change replaces tyrosine, which is neutral and polar, with cysteine, which is neutral and slightly polar, at codon 2 of the TBX6 protein (p.Tyr2Cys).